The following is an entry in ClinVar:

NM_004577.4(PSPH):c.358G>T (p.Ala120Ser)

Gene: PSPH (phosphoserine phosphatase; minus strand). Cytogenetic location: 7p11.2.
Variant type: single nucleotide variant.
Coding change: c.358G>T on transcript NM_004577.4 (MANE Select); coding-DNA position 358, G replaced by T.
Protein change: p.Ala120Ser; replaces alanine 120 with serine.
Molecular consequence: missense variant.
Genome position (GRCh38, 1-based): chr7:56,017,297, C>A on the plus strand (G>T on the coding strand, the complement: PSPH is on the minus strand). VCF-style: chr7-56017297-C-A. GRCh37 (hg19) VCF-style: chr7-56084990-C-A.
Other names: c.358G>T, p.Ala120Ser (NM_001370503.1, NM_001370504.1, NM_001370505.1 and 17 more transcripts); short protein forms A120S.
Identifiers: ClinVar variation 2097347 (VCV002097347.4), dbSNP rs1290090200, ClinGen allele CA367596029.
Genomic context (GRCh38, chr7:56,017,297, plus strand): 5'-TAAAGTAGAATTTCAGCCTATTGGCAAATACATTGGTTGCTGGGATATTGAGCTTTGAAG[C>A]AACATGCTCTACAATACTCCTAAAGCCACCAGATATTAGGAAAACCTGAACATTTCGCTC-3'
Protein context (NP_004568.2, residues 110-130): GGFRSIVEHV[Ala120Ser]SKLNIPATNV

ClinVar aggregate classification (germline): Uncertain significance (1 of 4 stars; one submission).

Conditions:
Deficiency of phosphoserine phosphatase (PSPHD). Also called: Phosphoserine phosphatase deficiency; PSPH deficiency. Identifiers: Orphanet 79350, MedGen C1291463, MONDO:0013531, OMIM 614023.

Allele frequency attached by ClinVar (database versions not stated): gnomAD exomes below 0.00001; gnomAD 0.00001; TOPMed 0.00001.
gnomAD v4.1: 3 of 1,613,014 alleles (0.00019%); highest among the groups gnomAD compares: Non-Finnish European, 0.00025%; no homozygotes.

Submission:

Labcorp Genetics (formerly Invitae), Labcorp
Classification: Uncertain significance for Deficiency of phosphoserine phosphatase. Last evaluated: 2022-02-12. Review status: criteria provided, single submitter. Criteria: Invitae Variant Classification Sherloc (09022015). Collection method: clinical testing. Allele origin: germline.
Comment: This sequence change replaces alanine, which is neutral and non-polar, with serine, which is neutral and polar, at codon 120 of the PSPH protein (p.Ala120Ser). This variant is not present in population databases (gnomAD no frequency). This variant has not been reported in the literature in individuals affected with PSPH-related conditions. Algorithms developed to predict the effect of missense changes on protein structure and function are either unavailable or do not agree on the potential impact of this missense change (SIFT: "Tolerated"; PolyPhen-2: "Probably Damaging"; Align-GVGD: "Class C0"). In summary, the available evidence is currently insufficient to determine the role of this variant in disease. Therefore, it has been classified as a Variant of Uncertain Significance.